The following is an entry in ClinVar:

NM_005188.4(CBL):c.2530A>C (p.Ser844Arg)

Gene: CBL (Cbl proto-oncogene; plus strand). Cytogenetic location: 11q23.3.
Variant type: single nucleotide variant.
Coding change: c.2530A>C on transcript NM_005188.4 (MANE Select); coding-DNA position 2530, A replaced by C.
Protein change: p.Ser844Arg; replaces serine 844 with arginine.
Molecular consequence: missense variant.
Genome position (GRCh38, 1-based): chr11:119,299,590, A>C. VCF-style: chr11-119299590-A-C. GRCh37 (hg19) VCF-style: chr11-119170300-A-C.
Other names: c.2530A>C (NM_005188.2); short protein forms S844R.
Identifiers: ClinVar variation 133812 (VCV000133812.13), dbSNP rs587778159, ClinGen allele CA157866.

ClinVar aggregate classification (germline): Uncertain significance. Review status: criteria provided, multiple submitters, no conflicts (2 of 4 stars). 6 submissions from 6 submitters: Uncertain significance (5). 1 of the submissions does not count toward it. Last evaluated 2025-09-01.

Conditions:
CBL-related disorder. Also called: NOONAN SYNDROME-LIKE DISORDER WITHOUT JUVENILE MYELOMONOCYTIC LEUKEMIA; CBL MUTATION-ASSOCIATED SYNDROME; CBL SYNDROME. Identifiers: Orphanet 363972, MedGen C3150803, MONDO:0013308, OMIM 613563.
Cardiovascular phenotype. Identifiers: MedGen CN230736.
Juvenile myelomonocytic leukemia (JMML). Also called: LEUKEMIA, JUVENILE MYELOMONOCYTIC, SOMATIC. Identifiers: Orphanet 86834, MedGen C0349639, MONDO:0011908, OMIM 607785, HP:0012209.
RASopathy. Also called: rasopathies; Noonan spectrum disorder. Identifiers: Orphanet 536391, MedGen C5555857, MONDO:0021060.

Allele frequency attached by ClinVar (database versions not stated): TOPMed below 0.00001; gnomAD 0.00001.
gnomAD v4.1: 7 of 1,614,076 alleles (0.00043%); highest among the groups gnomAD compares: East Asian, 0.016%; no homozygotes.

Submissions (6):

Labcorp Genetics (formerly Invitae), Labcorp
Classification: Uncertain significance for RASopathy. Last evaluated: 2025-09-01. Review status: criteria provided, single submitter. Criteria: Invitae Variant Classification Sherloc (09022015). Collection method: clinical testing. Allele origin: germline.
Comment: This sequence change replaces serine, which is neutral and polar, with arginine, which is basic and polar, at codon 844 of the CBL protein (p.Ser844Arg). This variant is not present in population databases (gnomAD no frequency). This variant has not been reported in the literature in individuals affected with CBL-related conditions. ClinVar contains an entry for this variant (Variation ID: 133812). Invitae Evidence Modeling of protein sequence and biophysical properties (such as structural, functional, and spatial information, amino acid conservation, physicochemical variation, residue mobility, and thermodynamic stability) indicates that this missense variant is not expected to disrupt CBL protein function with a negative predictive value of 95%. In summary, the available evidence is currently insufficient to determine the role of this variant in disease. Therefore, it has been classified as a Variant of Uncertain Significance.

Ambry Genetics
Classification: Uncertain significance for Cardiovascular phenotype. Last evaluated: 2024-01-13. Review status: criteria provided, single submitter. Criteria: Ambry Variant Classification Scheme 2023. Collection method: clinical testing. Allele origin: germline.
Comment: The p.S844R variant (also known as c.2530A>C), located in coding exon 16 of the CBL gene, results from an A to C substitution at nucleotide position 2530. The serine at codon 844 is replaced by arginine, an amino acid with dissimilar properties. This amino acid position is conserved. In addition, this alteration is predicted to be tolerated by in silico analysis. Since supporting evidence is limited at this time, the clinical significance of this alteration remains unclear.

Women's Health and Genetics/Laboratory Corporation of America, LabCorp
Classification: Uncertain significance. Last evaluated: 2022-05-17. Review status: criteria provided, single submitter. Criteria: LabCorp Variant Classification Summary - May 2015. Collection method: clinical testing. Allele origin: germline.
Comment: Variant summary: CBL c.2530A>C (p.Ser844Arg) results in a non-conservative amino acid change in the encoded protein sequence. Four of five in-silico tools predict a benign effect of the variant on protein function. The variant was absent in 251476 control chromosomes (gnomAD). The available data on variant occurrences in the general population are insufficient to allow any conclusion about variant significance. To our knowledge, no occurrence of c.2530A>C in individuals affected with Noonan Syndrome And Related Conditions and no experimental evidence demonstrating its impact on protein function have been reported. A ClinVar submitter (evaluation after 2014) cites the variant as uncertain significance. Based on the evidence outlined above, the variant was classified as uncertain significance.

Fulgent Genetics
Classification: Uncertain significance for Juvenile myelomonocytic leukemia; CBL-related disorder. Last evaluated: 2021-09-16. Review status: criteria provided, single submitter. Criteria: ACMG Guidelines, 2015. Collection method: clinical testing. Allele origin: unknown.

Illumina Laboratory Services, Illumina
Classification: Uncertain significance for CBL-related disorder. Last evaluated: 2018-01-13. Review status: criteria provided, single submitter. Criteria: ICSL Variant Classification Criteria 13 December 2019. Collection method: clinical testing. Allele origin: germline.

ITMI
No classification provided. Condition: AllHighlyPenetrant. Last evaluated: 2013-09-19. Review status: no classification provided. Collection method: reference population. Allele origin: germline. Not counted in ClinVar's aggregate classification.
Comment: Please see associated publication for description of ethnicities

Literature cited by the submitters: PubMed 24728327 (cited by ITMI).